The following is an entry in ClinVar:

NM_005909.5(MAP1B):c.4438G>T (p.Asp1480Tyr)

Gene: MAP1B (microtubule associated protein 1B; plus strand). Cytogenetic location: 5q13.2.
Variant type: single nucleotide variant.
Coding change: c.4438G>T on transcript NM_005909.5 (MANE Select); coding-DNA position 4438, G replaced by T.
Protein change: p.Asp1480Tyr; replaces aspartic acid 1480 with tyrosine.
Molecular consequence: missense variant.
Genome position (GRCh38, 1-based): chr5:72,197,793, G>T. VCF-style: chr5-72197793-G-T. GRCh37 (hg19) VCF-style: chr5-71493620-G-T.
Other names: c.4060G>T, p.Asp1354Tyr (NM_001324255.2); short protein forms D1354Y, D1480Y.
Identifiers: ClinVar variation 4103041 (VCV004103041.2).

ClinVar aggregate classification (germline): Uncertain significance. Review status: criteria provided, multiple submitters, no conflicts (2 of 4 stars). 2 submissions from 2 submitters: Uncertain significance (2). Last evaluated 2026-02-09.

Conditions:
Inborn genetic diseases. Identifiers: MedGen C0950123, MeSH D030342.

Submissions (2):

Women's Health and Genetics/Laboratory Corporation of America, LabCorp
Classification: Uncertain significance. Last evaluated: 2026-02-09. Review status: criteria provided, single submitter. Criteria: LabCorp Variant Classification Summary - May 2015. Collection method: clinical testing. Allele origin: germline.
Comment: Variant summary: MAP1B c.4438G>T (p.Asp1480Tyr) results in a non-conservative amino acid change in the encoded protein sequence. Algorithms developed to predict the effect of missense changes on protein structure and function are either unavailable or do not agree on the potential impact of this missense change. The variant was absent in 251114 control chromosomes. The available data on variant occurrences in the general population are insufficient to allow any conclusion about variant significance. To our knowledge, no occurrence of c.4438G>T in individuals affected with MAP1B-related conditions and no experimental evidence demonstrating its impact on protein function have been reported. No submitters have cited clinical-significance assessments for this variant to ClinVar. Based on the evidence outlined above, the variant was classified as uncertain significance.

Ambry Genetics
Classification: Uncertain significance for Inborn genetic diseases. Last evaluated: 2025-08-30. Review status: criteria provided, single submitter. Criteria: Ambry Variant Classification Scheme 2023. Collection method: clinical testing. Allele origin: germline.